The following is an entry in ClinVar:

NM_016335.6(PRODH):c.969_972del (p.Ser323fs)

Gene: PRODH (proline dehydrogenase 1; minus strand). Cytogenetic location: 22q11.21.
Variant type: Deletion.
Coding change: c.969_972del on transcript NM_016335.6 (MANE Select); coding-DNA positions 969 to 972, 4 bases deleted (CAGG; older notation c.969_972delCAGG).
Protein change: p.Ser323fs; shifts the reading frame from serine 323.
Molecular consequence: frameshift variant.
Genome position (GRCh38, 1-based): chr22:18,921,381-18,921,384, CCTG deleted on the plus strand (CAGG on the coding strand, the reverse complement: PRODH is on the minus strand); deleting any 4 consecutive bases within chr22:18,921,381-18,921,385 gives the same sequence; the c. name uses the placement nearest the transcript's 3' end. VCF-style (leftmost placement, unchanged base first): chr22-18921380-TCCTG-T. GRCh37 (hg19) VCF-style: chr22-18908893-TCCTG-T.
Other names: c.645_648del, p.Ser215fs (NM_001195226.2, NM_001368250.2); short protein forms S215fs, S323fs.
Identifiers: ClinVar variation 1998253 (VCV001998253.4), dbSNP rs2517453236, ClinGen allele CA2580099196.
Genomic context (GRCh38, chr22:18,921,380, plus strand): 5'-CACTGAGGAGCGGAGGTGTTACCTGTGCGTTGGGGACTACCAAGTGCTTGGACAGCTTGG[TCCTG>T]CTGTCGATGAGGCTGCTCCAGTCCAGCAGGTCCATGGTGCTGAGGGAGGAGGCGCATCAG-3'

ClinVar aggregate classification (germline): Pathogenic (1 of 4 stars; one submission).

Conditions:
Proline dehydrogenase deficiency (HYRPRO1). Also called: PROLINE OXIDASE DEFICIENCY; Hyperprolinemia type 1. Identifiers: Orphanet 419, MedGen C0268529, MONDO:0009400, OMIM 239500.

Submission:

Labcorp Genetics (formerly Invitae), Labcorp
Classification: Pathogenic for Proline dehydrogenase deficiency. Last evaluated: 2024-12-03. Review status: criteria provided, single submitter. Criteria: Invitae Variant Classification Sherloc (09022015). Collection method: clinical testing. Allele origin: germline.
Comment: This sequence change creates a premature translational stop signal (p.Ser323Argfs*9) in the PRODH gene. It is expected to result in an absent or disrupted protein product. Loss-of-function variants in PRODH are known to be pathogenic (PMID: 12525555, 15662599, 19736351). This variant is not present in population databases (gnomAD no frequency). This variant has not been reported in the literature in individuals affected with PRODH-related conditions. ClinVar contains an entry for this variant (Variation ID: 1998253). For these reasons, this variant has been classified as Pathogenic.

Literature cited by the submitters: PubMed 12525555; PubMed 15662599; PubMed 19736351.